The following is an entry in ClinVar:

NM_001555.5(IGSF1):c.1630C>T (p.Arg544Trp)

Gene: IGSF1 (immunoglobulin superfamily member 1; minus strand). Cytogenetic location: Xq26.1.
Variant type: single nucleotide variant.
Coding change: c.1630C>T on transcript NM_001555.5 (MANE Select); coding-DNA position 1630, C replaced by T.
Protein change: p.Arg544Trp; replaces arginine 544 with tryptophan.
Molecular consequence: missense variant.
Genome position (GRCh38, 1-based): chrX:131,281,234, G>A on the plus strand (C>T on the coding strand, the complement: IGSF1 is on the minus strand). VCF-style: chrX-131281234-G-A. GRCh37 (hg19) VCF-style: chrX-130415208-G-A.
Other names: c.1630C>T, p.Arg544Trp (NM_001170961.2); c.1603C>T, p.Arg535Trp (NM_001170962.2); short protein forms R535W, R544W.
Identifiers: ClinVar variation 2661442 (VCV002661442.25), dbSNP rs139821381, ClinGen allele CA10517975.

ClinVar aggregate classification (germline): Benign/Likely benign. Review status: criteria provided, multiple submitters, no conflicts (2 of 4 stars). 2 submissions from 2 submitters: Benign (1); Likely benign (1). Last evaluated 2025-09-20.

Allele frequency attached by ClinVar (database versions not stated): TOPMed 0.00023; gnomAD 0.00027; gnomAD exomes 0.00037; ExAC 0.00063; 1000 Genomes Project 30x 0.00166; 1000 Genomes Project 0.00212.

Submissions (2):

Labcorp Genetics (formerly Invitae), Labcorp
Classification: Benign. Last evaluated: 2025-09-20. Review status: criteria provided, single submitter. Criteria: Invitae Variant Classification Sherloc (09022015). Collection method: clinical testing. Allele origin: germline.

CeGaT Center for Human Genetics Tuebingen
Classification: Likely benign. Last evaluated: 2022-12-01. Review status: criteria provided, single submitter. Criteria: CeGaT Center For Human Genetics Tuebingen Variant Classification Criteria Version 2. Collection method: clinical testing. Allele origin: germline. Affected: yes. Observed: 1 variant allele.
Comment: IGSF1: BP4, BS2